The following is an entry in ClinVar:

ClinVar aggregate classification (germline): Uncertain significance (1 of 4 stars; one submission).

gnomAD v4.1: 2 of 1,592,548 alleles (0.00013%); highest among the groups gnomAD compares: Non-Finnish European, 0.00017%; no homozygotes.

Submission:

Labcorp Genetics (formerly Invitae), Labcorp
Classification: Uncertain significance. Last evaluated: 2025-04-07. Review status: criteria provided, single submitter. Criteria: Invitae Variant Classification Sherloc (09022015). Collection method: clinical testing. Allele origin: germline.
Comment: This sequence change replaces glutamine, which is neutral and polar, with arginine, which is basic and polar, at codon 2099 of the DSCAML1 protein (p.Gln2099Arg). This variant is not present in population databases (gnomAD no frequency). This variant has not been reported in the literature in individuals affected with DSCAML1-related conditions. An algorithm developed to predict the effect of missense changes on protein structure and function (PolyPhen-2) suggests that this variant is likely to be tolerated. In summary, the available evidence is currently insufficient to determine the role of this variant in disease. Therefore, it has been classified as a Variant of Uncertain Significance.

NM_020693.4(DSCAML1):c.6116A>G (p.Gln2039Arg)

Gene: DSCAML1 (DS cell adhesion molecule like 1; minus strand). Cytogenetic location: 11q23.3.
Variant type: single nucleotide variant.
Coding change: c.6116A>G on transcript NM_020693.4 (MANE Select); coding-DNA position 6116, A replaced by G.
Protein change: p.Gln2039Arg; replaces glutamine 2039 with arginine.
Molecular consequence: missense variant.
Genome position (GRCh38, 1-based): chr11:117,428,374, T>C on the plus strand (A>G on the coding strand, the complement: DSCAML1 is on the minus strand). VCF-style: chr11-117428374-T-C. GRCh37 (hg19) VCF-style: chr11-117299090-T-C.
Other names: short protein forms Q2039R.
Identifiers: ClinVar variation 4712113 (VCV004712113.1).